The following is an entry in ClinVar:

NM_000785.4(CYP27B1):c.386+1G>A

Gene: CYP27B1 (cytochrome P450 family 27 subfamily B member 1; minus strand). Cytogenetic location: 12q14.1.
Variant type: single nucleotide variant.
Coding change: c.386+1G>A on transcript NM_000785.4 (MANE Select); the canonical splice donor site of the intron after coding-DNA position 386, G replaced by A.
Molecular consequence: splice donor variant.
Genome position (GRCh38, 1-based): chr12:57,766,006, C>T on the plus strand (G>A on the coding strand, the complement: CYP27B1 is on the minus strand). VCF-style: chr12-57766006-C-T. GRCh37 (hg19) VCF-style: chr12-58159789-C-T.
Other names: IVS2, G-A, +1.
Identifiers: ClinVar variation 1671 (VCV000001671.3), dbSNP rs770204470, ClinGen allele CA6658481.

ClinVar aggregate classification (germline): Likely pathogenic. Review status: criteria provided, single submitter (1 of 4 stars). 2 submissions from 2 submitters: Likely pathogenic (1). 1 of the submissions does not count toward it. Last evaluated 2024-02-22.

Conditions:
Vitamin D-dependent rickets, type 1A. Also called: PDDR IA; VITAMIN D HYDROXYLATION-DEFICIENT RICKETS, TYPE 1A; PSEUDOVITAMIN D-DEFICIENCY RICKETS, TYPE IA. Identifiers: MedGen CN283242, MONDO:0020723, OMIM 264700.

Allele frequency attached by ClinVar (database versions not stated): ExAC below 0.00001.

Submissions (2):

Labcorp Genetics (formerly Invitae), Labcorp
Classification: Likely pathogenic. Last evaluated: 2024-02-22. Review status: criteria provided, single submitter. Criteria: Invitae Variant Classification Sherloc (09022015). Collection method: clinical testing. Allele origin: germline.
Comment: This sequence change affects a donor splice site in intron 2 of the CYP27B1 gene. RNA analysis indicates that disruption of this splice site induces altered splicing and may result in an absent or disrupted protein product. The frequency data for this variant in the population databases is considered unreliable, as metrics indicate poor data quality at this position in the gnomAD database. Disruption of this splice site has been observed in individual(s) with Vitamin D-dependent rickets (PMID: 12050193). This variant is also known as IVS2+1G>A. ClinVar contains an entry for this variant (Variation ID: 1671). Studies have shown that disruption of this splice site results in activation of a cryptic splice site and introduces a premature termination codon (PMID: 12050193). The resulting mRNA is expected to undergo nonsense-mediated decay. In summary, the currently available evidence indicates that the variant is pathogenic, but additional data are needed to prove that conclusively. Therefore, this variant has been classified as Likely Pathogenic.

OMIM
Classification: Pathogenic for VITAMIN D HYDROXYLATION-DEFICIENT RICKETS, TYPE 1A. Last evaluated: 2002-06-01. Review status: no assertion criteria provided. Collection method: literature only. Allele origin: germline. Not counted in ClinVar's aggregate classification.

Literature cited by the submitters: PubMed 12050193 (cited by Labcorp Genetics (formerly Invitae), Labcorp and OMIM).